The following is an entry in ClinVar:

ClinVar aggregate classification (germline): Likely benign. Review status: criteria provided, multiple submitters, no conflicts (2 of 4 stars). 3 submissions from 3 submitters: Likely benign (3). Last evaluated 2025-10-02.

Conditions:
Familial hypercholesterolemia. Also called: Familial hypercholesterolemias; Familial hypercholesterolaemia. Identifiers: MedGen C0020445, MONDO:0005439.
Cardiovascular phenotype. Identifiers: MedGen CN230736.
Hypercholesterolemia, autosomal dominant, type B (FHCL2). Also called: APOLIPOPROTEIN B-100, FAMILIAL DEFECTIVE; APOLIPOPROTEIN B-100, FAMILIAL LIGAND-DEFECTIVE; HYPERCHOLESTEROLEMIA, FAMILIAL, DUE TO LIGAND-DEFECTIVE APOLIPOPROTEIN B; Familial Hypercholesterolemia Type B; Hyperlipoproteinemia Type IIb; Familial hypercholesterolemia 2. Identifiers: MedGen C1704417, MONDO:0007751, OMIM 144010.
Familial hypobetalipoproteinemia 1. Also called: APOB-Related Familial Hypobetalipoproteinemia; Hypobetalipoproteinemia, normotriglyceridemic; Acanthocytosis with hypobetalipoproteinemia. Identifiers: MedGen C4551990, MONDO:0014252, OMIM 615558.

Allele frequency attached by ClinVar (database versions not stated): gnomAD 0.00002 and 0.00003; ExAC 0.00006; TOPMed 0.00006; gnomAD exomes 0.00007 and 0.00008; 1000 Genomes Project 30x 0.00016; 1000 Genomes Project 0.00020.

Submissions (3):

Labcorp Genetics (formerly Invitae), Labcorp
Classification: Likely benign for Familial hypobetalipoproteinemia 1; Hypercholesterolemia, autosomal dominant, type B. Last evaluated: 2025-10-02. Review status: criteria provided, single submitter. Criteria: Invitae Variant Classification Sherloc (09022015). Collection method: clinical testing. Allele origin: germline.

GENinCode PLC
Classification: Likely benign for Familial hypercholesterolemia. Last evaluated: 2025-05-21. Review status: criteria provided, single submitter. Criteria: ACMG Guidelines, 2015. Collection method: clinical testing. Allele origin: germline.
Comment: This is a synonymous (silent) variant that is not predicted to impact splicing and occurs at a nucleotide which is not highly conserved. This variant has been classified as Likely Benign (BP4, BP7).

Ambry Genetics
Classification: Likely benign for Cardiovascular phenotype. Last evaluated: 2019-02-06. Review status: criteria provided, single submitter. Criteria: Ambry Variant Classification Scheme 2023. Collection method: clinical testing. Allele origin: germline.

NM_000384.3(APOB):c.12615G>A (p.Pro4205=)

Gene: APOB (apolipoprotein B; minus strand). Cytogenetic location: 2p24.1.
Variant type: single nucleotide variant.
Coding change: c.12615G>A on transcript NM_000384.3 (MANE Select); coding-DNA position 12615, G replaced by A.
Protein change: p.Pro4205=; no amino-acid change (proline 4205 retained).
Molecular consequence: synonymous variant.
Genome position (GRCh38, 1-based): chr2:21,002,807, C>T on the plus strand (G>A on the coding strand, the complement: APOB is on the minus strand). VCF-style: chr2-21002807-C-T. GRCh37 (hg19) VCF-style: chr2-21225679-C-T.
Identifiers: ClinVar variation 922280 (VCV000922280.16), dbSNP rs202247483, ClinGen allele CA050709.